The following is an entry in ClinVar:

NM_005535.3(IL12RB1):c.43T>G (p.Phe15Val)

Gene: IL12RB1 (interleukin 12 receptor subunit beta 1; minus strand). Cytogenetic location: 19p13.11.
Variant type: single nucleotide variant.
Coding change: c.43T>G on transcript NM_005535.3 (MANE Select); coding-DNA position 43, T replaced by G.
Protein change: p.Phe15Val; replaces phenylalanine 15 with valine.
Molecular consequence: missense variant.
Genome position (GRCh38, 1-based): chr19:18,086,781, A>C on the plus strand (T>G on the coding strand, the complement: IL12RB1 is on the minus strand). VCF-style: chr19-18086781-A-C. GRCh37 (hg19) VCF-style: chr19-18197591-A-C.
Other names: c.43T>G, p.Phe15Val (NM_001290023.2, NM_153701.3); c.163T>G, p.Phe55Val (NM_001290024.2); short protein forms F15V, F55V.
Identifiers: ClinVar variation 938207 (VCV000938207.9), dbSNP rs1429095330, ClinGen allele CA404791244.
Genomic context (GRCh38, chr19:18,086,781, plus strand): 5'-CAGCAAGAGGAGCCGCCATGCCAGGGTCAGGGGACTCACCGCCCTGCCTGGACAGCAGGA[A>C]GAGGAAGAGGAGGGGGACCACCCAGGTCACCAGCGGCTCCATCGGATCCACGTAGAGCCC-3'
Protein context (NP_005526.1, residues 5-25): VTWVVPLLFL[Phe15Val]LLSRQGAACR

ClinVar aggregate classification (germline): Uncertain significance (1 of 4 stars; one submission).

Conditions:
Mendelian susceptibility to mycobacterial diseases due to complete IL12RB1 deficiency. Also called: IL12RB1 DEFICIENCY; Immunodeficiency 30. Identifiers: Orphanet 319552, MedGen C4013949, MONDO:0013955, OMIM 614891.

Submission:

Labcorp Genetics (formerly Invitae), Labcorp
Classification: Uncertain significance for Mendelian susceptibility to mycobacterial diseases due to complete IL12RB1 deficiency. Last evaluated: 2019-06-20. Review status: criteria provided, single submitter. Criteria: Invitae Variant Classification Sherloc (09022015). Collection method: clinical testing. Allele origin: germline.
Comment: This sequence change replaces phenylalanine with valine at codon 15 of the IL12RB1 protein (p.Phe15Val). The phenylalanine residue is weakly conserved and there is a small physicochemical difference between phenylalanine and valine. In summary, the available evidence is currently insufficient to determine the role of this variant in disease. Therefore, it has been classified as a Variant of Uncertain Significance. Algorithms developed to predict the effect of missense changes on protein structure and function (SIFT, PolyPhen-2, Align-GVGD) all suggest that this variant is likely to be tolerated, but these predictions have not been confirmed by published functional studies and their clinical significance is uncertain. This variant has not been reported in the literature in individuals with IL12RB1-related conditions. This variant is not present in population databases (ExAC no frequency).